The following is an entry in ClinVar:

ClinVar aggregate classification (germline): Uncertain significance (1 of 4 stars; one submission).

Conditions:
Ehlers-Danlos syndrome, classic type, 1 (EDSCL1). Also called: EHLERS-DANLOS SYNDROME, GRAVIS TYPE; EHLERS-DANLOS SYNDROME, SEVERE CLASSIC TYPE; Ehlers-Danlos syndrome, type 1; Ehlers-Danlos Syndrome, Classic Type, COL5A1-Related; EDS I. Identifiers: MedGen C0268335, MONDO:0019567, OMIM 130000.

gnomAD v4.1: 2 of 1,613,262 alleles (0.00012%); highest among the groups gnomAD compares: South Asian, 0.0011%; no homozygotes.

Submission:

Labcorp Genetics (formerly Invitae), Labcorp
Classification: Uncertain significance for Ehlers-Danlos syndrome, classic type, 1. Last evaluated: 2025-03-20. Review status: criteria provided, single submitter. Criteria: Invitae Variant Classification Sherloc (09022015). Collection method: clinical testing. Allele origin: germline.
Comment: This sequence change replaces proline, which is neutral and non-polar, with serine, which is neutral and polar, at codon 583 of the COL5A2 protein (p.Pro583Ser). This variant is not present in population databases (gnomAD no frequency). This variant has not been reported in the literature in individuals affected with COL5A2-related conditions. Invitae Evidence Modeling of protein sequence and biophysical properties (such as structural, functional, and spatial information, amino acid conservation, physicochemical variation, residue mobility, and thermodynamic stability) indicates that this missense variant is not expected to disrupt COL5A2 protein function with a negative predictive value of 80%. In summary, the available evidence is currently insufficient to determine the role of this variant in disease. Therefore, it has been classified as a Variant of Uncertain Significance.

NM_000393.5(COL5A2):c.1747C>T (p.Pro583Ser)

Gene: COL5A2 (collagen type V alpha 2 chain; minus strand). Cytogenetic location: 2q32.2.
Variant type: single nucleotide variant.
Coding change: c.1747C>T on transcript NM_000393.5 (MANE Select); coding-DNA position 1747, C replaced by T.
Protein change: p.Pro583Ser; replaces proline 583 with serine.
Molecular consequence: missense variant.
Genome position (GRCh38, 1-based): chr2:189,064,003, G>A on the plus strand (C>T on the coding strand, the complement: COL5A2 is on the minus strand). VCF-style: chr2-189064003-G-A. GRCh37 (hg19) VCF-style: chr2-189928729-G-A.
Other names: short protein forms P583S.
Identifiers: ClinVar variation 4693976 (VCV004693976.1).